The following is an entry in ClinVar:

NM_001830.4(CLCN4):c.1640A>G (p.Glu547Gly)

Gene: CLCN4 (chloride voltage-gated channel 4; plus strand). Cytogenetic location: Xp22.2.
Variant type: single nucleotide variant.
Coding change: c.1640A>G on transcript NM_001830.4 (MANE Select); coding-DNA position 1640, A replaced by G.
Protein change: p.Glu547Gly; replaces glutamic acid 547 with glycine.
Molecular consequence: missense variant.
Genome position (GRCh38, 1-based): chrX:10,213,744, A>G. VCF-style: chrX-10213744-A-G. GRCh37 (hg19) VCF-style: chrX-10181784-A-G.
Other names: c.1358A>G, p.Glu453Gly (NM_001256944.2); short protein forms E453G, E547G.
Identifiers: ClinVar variation 3893455 (VCV003893455.1).

ClinVar aggregate classification (germline): Uncertain significance (1 of 4 stars; one submission).

Submission:

GeneDx
Classification: Uncertain significance. Last evaluated: 2024-10-23. Review status: criteria provided, single submitter. Criteria: GeneDx Variant Classification Process June 2021. Collection method: clinical testing. Allele origin: germline. Affected: yes.
Comment: Not observed at significant frequency in large population cohorts (gnomAD); In silico analysis supports that this missense variant has a deleterious effect on protein structure/function; Has not been previously published as pathogenic or benign to our knowledge